The following is an entry in ClinVar:

ClinVar aggregate classification (germline): Uncertain significance (1 of 4 stars; one submission).

Conditions:
Familial thoracic aortic aneurysm and aortic dissection (TAAD). Also called: Thoracic aortic aneurysms and dissections. Identifiers: Orphanet 91387, MedGen C4707243, MONDO:0019625.

gnomAD v4.1: 2 of 1,613,192 alleles (0.00012%); highest among the groups gnomAD compares: African/African-American, 0.0013%; no homozygotes.

Submission:

Ambry Genetics
Classification: Uncertain significance for Familial thoracic aortic aneurysm and aortic dissection. Last evaluated: 2024-12-14. Review status: criteria provided, single submitter. Criteria: Ambry Variant Classification Scheme 2023. Collection method: clinical testing. Allele origin: germline.
Comment: The p.N956H variant (also known as c.2866A>C), located in coding exon 18 of the NOTCH1 gene, results from an A to C substitution at nucleotide position 2866. The asparagine at codon 956 is replaced by histidine, an amino acid with similar properties. This amino acid position is conserved. In addition, the in silico prediction for this alteration is inconclusive. Based on the available evidence, the clinical significance of this variant remains unclear.

NM_017617.5(NOTCH1):c.2866A>C (p.Asn956His)

Gene: NOTCH1 (notch receptor 1; minus strand). Cytogenetic location: 9q34.3.
Variant type: single nucleotide variant.
Coding change: c.2866A>C on transcript NM_017617.5 (MANE Select); coding-DNA position 2866, A replaced by C.
Protein change: p.Asn956His; replaces asparagine 956 with histidine.
Molecular consequence: missense variant.
Genome position (GRCh38, 1-based): chr9:136,509,836, T>G on the plus strand (A>C on the coding strand, the complement: NOTCH1 is on the minus strand). VCF-style: chr9-136509836-T-G. GRCh37 (hg19) VCF-style: chr9-139404288-T-G.
Other names: short protein forms N956H.
Identifiers: ClinVar variation 3880470 (VCV003880470.1).